The following is an entry in ClinVar:

ClinVar aggregate classification (germline): Uncertain significance (1 of 4 stars; one submission).

Conditions:
Early Myoclonic Encephalopathy. Identifiers: MedGen C0270855.

gnomAD v4.1: 1 of 1,613,542 alleles (0.000062%); highest among the groups gnomAD compares: Non-Finnish European, 0.000085%; no homozygotes.

Submission:

Labcorp Genetics (formerly Invitae), Labcorp
Classification: Uncertain significance for Early Myoclonic Encephalopathy. Last evaluated: 2025-04-09. Review status: criteria provided, single submitter. Criteria: Invitae Variant Classification Sherloc (09022015). Collection method: clinical testing. Allele origin: germline.
Comment: This sequence change replaces valine, which is neutral and non-polar, with methionine, which is neutral and non-polar, at codon 278 of the KCND2 protein (p.Val278Met). This variant is not present in population databases (gnomAD no frequency). This variant has not been reported in the literature in individuals affected with KCND2-related conditions. Invitae Evidence Modeling of protein sequence and biophysical properties (such as structural, functional, and spatial information, amino acid conservation, physicochemical variation, residue mobility, and thermodynamic stability) indicates that this missense variant is not expected to disrupt KCND2 protein function with a negative predictive value of 95%. In summary, the available evidence is currently insufficient to determine the role of this variant in disease. Therefore, it has been classified as a Variant of Uncertain Significance.

NM_012281.3(KCND2):c.832G>A (p.Val278Met)

Gene: KCND2 (potassium voltage-gated channel subfamily D member 2; plus strand). Cytogenetic location: 7q31.31.
Variant type: single nucleotide variant.
Coding change: c.832G>A on transcript NM_012281.3 (MANE Select); coding-DNA position 832, G replaced by A.
Protein change: p.Val278Met; replaces valine 278 with methionine.
Molecular consequence: missense variant.
Genome position (GRCh38, 1-based): chr7:120,275,464, G>A. VCF-style: chr7-120275464-G-A. GRCh37 (hg19) VCF-style: chr7-119915518-G-A.
Other names: short protein forms V278M.
Identifiers: ClinVar variation 4709930 (VCV004709930.1).